The following is an entry in ClinVar:

ClinVar aggregate classification (germline): Uncertain significance. Review status: criteria provided, multiple submitters, no conflicts (2 of 4 stars). 2 submissions from 2 submitters: Uncertain significance (2). Last evaluated 2025-03-31.

Conditions:
Inborn genetic diseases. Identifiers: MedGen C0950123, MeSH D030342.

Submissions (2):

Labcorp Genetics (formerly Invitae), Labcorp
Classification: Uncertain significance. Last evaluated: 2025-03-31. Review status: criteria provided, single submitter. Criteria: Invitae Variant Classification Sherloc (09022015). Collection method: clinical testing. Allele origin: germline.
Comment: This sequence change replaces glutamine, which is neutral and polar, with arginine, which is basic and polar, at codon 141 of the ISCA2 protein (p.Gln141Arg). This variant is present in population databases (rs375133115, gnomAD 0.08%). This variant has not been reported in the literature in individuals affected with ISCA2-related conditions. ClinVar contains an entry for this variant (Variation ID: 2523785). An algorithm developed to predict the effect of missense changes on protein structure and function (PolyPhen-2) suggests that this variant is likely to be tolerated. In summary, the available evidence is currently insufficient to determine the role of this variant in disease. Therefore, it has been classified as a Variant of Uncertain Significance.

Ambry Genetics
Classification: Uncertain significance for Inborn genetic diseases. Last evaluated: 2023-05-03. Review status: criteria provided, single submitter. Criteria: Ambry Variant Classification Scheme 2023. Collection method: clinical testing. Allele origin: germline.

NM_194279.4(ISCA2):c.422A>G (p.Gln141Arg)

Gene: ISCA2 (iron-sulfur cluster assembly 2; plus strand). Cytogenetic location: 14q24.3.
Variant type: single nucleotide variant.
Coding change: c.422A>G on transcript NM_194279.4 (MANE Select); coding-DNA position 422, A replaced by G.
Protein change: p.Gln141Arg; replaces glutamine 141 with arginine.
Molecular consequence: missense variant. On other transcripts: 3 prime UTR variant (1).
Genome position (GRCh38, 1-based): chr14:74,494,957, A>G. VCF-style: chr14-74494957-A-G. GRCh37 (hg19) VCF-style: chr14-74961660-A-G.
Other names: c.*123A>G (NM_001272007.2); short protein forms Q141R.
Identifiers: ClinVar variation 2523785 (VCV002523785.5), dbSNP rs375133115, ClinGen allele CA7268369.